The following is an entry in ClinVar:

ClinVar aggregate classification (germline): Benign (0 of 4 stars; one submission).

Conditions:
PPARGC1A-related disorder. Also called: PPARGC1A-related condition.

Allele frequency attached by ClinVar (database versions not stated): 1000 Genomes Project 30x 0.34666; TOPMed 0.34677; ESP Exome Variant Server 0.35091; 1000 Genomes Project 0.35224; ExAC 0.37201.
gnomAD v4.1: 623,456 of 1,613,140 alleles (39%); highest among the groups gnomAD compares: Middle Eastern, 45%; 122,909 homozygotes.

Submission:

PreventionGenetics, part of Exact Sciences
Classification: Benign for PPARGC1A-related condition. Last evaluated: 2019-10-18. Review status: no assertion criteria provided. Collection method: clinical testing. Allele origin: germline.
Comment: This variant is classified as benign based on ACMG/AMP sequence variant interpretation guidelines (Richards et al. 2015 PMID: 25741868, with internal and published modifications).

NM_013261.5(PPARGC1A):c.1584G>A (p.Thr528=)

Gene: PPARGC1A (PPARG coactivator 1 alpha; minus strand). Cytogenetic location: 4p15.2.
Variant type: single nucleotide variant.
Coding change: c.1584G>A on transcript NM_013261.5 (MANE Select); coding-DNA position 1584, G replaced by A.
Protein change: p.Thr528=; no amino-acid change (threonine 528 retained).
Molecular consequence: synonymous variant. On other transcripts: non-coding transcript variant (7).
Genome position (GRCh38, 1-based): chr4:23,813,899, C>T on the plus strand (G>A on the coding strand, the complement: PPARGC1A is on the minus strand). VCF-style: chr4-23813899-C-T. GRCh37 (hg19) VCF-style: chr4-23815522-C-T.
Other names: c.1599G>A, p.Thr533= (NM_001330751.2, NM_001354825.2, NM_001354827.2); c.1548G>A, p.Thr516= (NM_001330752.2); c.1203G>A, p.Thr401= (NM_001330753.2, NM_001354826.2).
Identifiers: ClinVar variation 3060606 (VCV003060606.2), dbSNP rs3755863, ClinGen allele CA2875236.
Genomic context (GRCh38, chr4:23,813,899, plus strand): 5'-TCTACATGGAGAGTTAAAAGAAGAACAAGAAGGAGACACATTGAACAATGAATAGGATTG[C>T]GTGCCATCCCAAGGGTAGCTCAGTTTATCACTTTCATCTTCGCTGTCATCAAACAGGCCA-3'
Protein context (NP_037393.1, residues 518-538): SDKLSYPWDG[Thr528=]QSYSLFNVSP